The following is an entry in ClinVar:

NM_024426.6(WT1):c.1142C>T (p.Pro381Leu)

Gene: WT1 (WT1 transcription factor; minus strand). Cytogenetic location: 11p13.
Variant type: single nucleotide variant.
Coding change: c.1142C>T on transcript NM_024426.6 (MANE Select); coding-DNA position 1142, C replaced by T.
Protein change: p.Pro381Leu; replaces proline 381 with leucine.
Molecular consequence: missense variant. On other transcripts: 5 prime UTR variant (1), non-coding transcript variant (1).
Genome position (GRCh38, 1-based): chr11:32,396,379, G>A on the plus strand (C>T on the coding strand, the complement: WT1 is on the minus strand). VCF-style: chr11-32396379-G-A. GRCh37 (hg19) VCF-style: chr11-32417925-G-A.
Other names: c.1091C>T, p.Pro364Leu (NM_000378.6, NM_001407045.1, NM_001407048.1 and 1 more transcripts); c.491C>T, p.Pro164Leu (NM_001198551.2); c.440C>T, p.Pro147Leu (NM_001198552.2); c.-47C>T (NM_001367854.1); c.1136C>T, p.Pro379Leu (NM_001407044.1); c.1142C>T, p.Pro381Leu (NM_001407046.1, NM_024424.5); c.1019C>T, p.Pro340Leu (NM_001407047.1); c.968C>T, p.Pro323Leu (NM_001407050.1); and 2 more; short protein forms P164L, P381L, P147L, P364L, P359L, P379L, P127L, P323L.
Identifiers: ClinVar variation 543138 (VCV000543138.17), dbSNP rs1014605516, ClinGen allele CA219476907.

ClinVar aggregate classification (germline): Uncertain significance. Review status: criteria provided, multiple submitters, no conflicts (2 of 4 stars). 5 submissions from 5 submitters: Uncertain significance (5). Last evaluated 2025-03-08.

Conditions:
Inborn genetic diseases. Identifiers: MedGen C0950123, MeSH D030342.
Wilms tumor 1 (WT1). Also called: Wilms tumor, somatic. Identifiers: Orphanet 654, MedGen CN033288, MONDO:0008679, OMIM 194070.
11p partial monosomy syndrome (WAGR). Also called: CHROMOSOME 11p13 DELETION SYNDROME; WAGR Spectrum Disorder; WAGR syndrome; WAGR Complex. Identifiers: Orphanet 893, MedGen C0206115, MONDO:0008681, OMIM 194072.
Aniridia 1 (AN1). Identifiers: Orphanet 250923, MedGen C0344542, MONDO:0024507, OMIM 106210.
Meacham syndrome. Also called: Meacham Winn Culler syndrome. Identifiers: Orphanet 3097, MedGen C1837026, MONDO:0012164, OMIM 608978.
Mesothelioma, malignant (MESOM). Also called: Malignant mesothelioma (disease). Identifiers: Orphanet 50251, MedGen C0345967, MONDO:0006292, OMIM 156240, HP:0100001.
Frasier syndrome. Identifiers: Orphanet 347, MedGen C0950122, MeSH D052159, MONDO:0007635, OMIM 136680.
Nephrotic syndrome, type 4 (NPHS4). Also called: Familial mesangial sclerosis; Nephrotic syndrome, early onset with diffuse mesangial sclerosis. Identifiers: Orphanet 656, MedGen C3151568, MONDO:0009733, OMIM 256370.
Drash syndrome (DDS). Also called: NEPHROPATHY, WILMS TUMOR, AND GENITAL ANOMALIES; WILMS TUMOR AND PSEUDO- OR TRUE HERMAPHRODITISM. Identifiers: Orphanet 220, MedGen C0950121, MONDO:0008682, OMIM 194080.

Allele frequency attached by ClinVar (database versions not stated): gnomAD exomes below 0.00001; TOPMed 0.00001; gnomAD 0.00003.
gnomAD v4.1: 6 of 1,614,084 alleles (0.00037%); highest among the groups gnomAD compares: Non-Finnish European, 0.00051%; no homozygotes.

Submissions (5):

Ambry Genetics
Classification: Uncertain significance for Inborn genetic diseases. Last evaluated: 2025-03-08. Review status: criteria provided, single submitter. Criteria: Ambry Variant Classification Scheme 2023. Collection method: clinical testing. Allele origin: germline.
Comment: The p.P376L variant (also known as c.1127C>T), located in coding exon 7 of the WT1 gene, results from a C to T substitution at nucleotide position 1127. The proline at codon 376 is replaced by leucine, an amino acid with similar properties. This amino acid position is conserved. In addition, this alteration is predicted to be deleterious by in silico analysis. Based on the available evidence, the clinical significance of this variant remains unclear.

All of Us Research Program, National Institutes of Health
Classification: Uncertain significance for Wilms tumor 1. Last evaluated: 2024-05-14. Review status: criteria provided, single submitter. Criteria: ACMG Guidelines, 2015. Collection method: clinical testing. Allele origin: germline. Inheritance: Autosomal dominant inheritance. Observed: 2 variant alleles, 2 heterozygotes.
Comment: This missense variant replaces proline with leucine at codon 376 of the WT1 protein. Computational prediction suggests that this variant may have deleterious impact on protein structure and function (internally defined REVEL score threshold >= 0.7, PMID: 27666373). To our knowledge, functional studies have not been reported for this variant. This variant has not been reported in individuals affected with WT1-related disorders in the literature. This variant has been identified in 1/31392 chromosomes in the general population by the Genome Aggregation Database (gnomAD). The available evidence is insufficient to determine the role of this variant in disease conclusively. Therefore, this variant is classified as a Variant of Uncertain Significance.

This study involves interpretation of variants in research participants for the purpose of population health screening. Participant phenotype was not available at the time of variant classification. Additional details can be found in publication PMID: 35346344, PMCID: PMC8962531

Color Diagnostics, LLC DBA Color Health
Classification: Uncertain significance for Wilms tumor 1. Last evaluated: 2024-03-06. Review status: criteria provided, single submitter. Criteria: ACMG Guidelines, 2015. Collection method: clinical testing. Allele origin: germline.
Comment: This missense variant replaces proline with leucine at codon 376 of the WT1 protein. Computational prediction suggests that this variant may have deleterious impact on protein structure and function. To our knowledge, functional studies have not been reported for this variant. This variant has not been reported in individuals affected with WT1-related disorders in the literature. This variant has been identified in 1/31392 chromosomes in the general population by the Genome Aggregation Database (gnomAD). The available evidence is insufficient to determine the role of this variant in disease conclusively. Therefore, this variant is classified as a Variant of Uncertain Significance.

Labcorp Genetics (formerly Invitae), Labcorp
Classification: Uncertain significance for Wilms tumor 1; Drash syndrome; 11p partial monosomy syndrome; Frasier syndrome. Last evaluated: 2023-08-02. Review status: criteria provided, single submitter. Criteria: Invitae Variant Classification Sherloc (09022015). Collection method: clinical testing. Allele origin: germline.
Comment: An algorithm developed to predict the effect of missense changes on protein structure and function (PolyPhen-2) suggests that this variant is likely to be disruptive. In summary, the available evidence is currently insufficient to determine the role of this variant in disease. Therefore, it has been classified as a Variant of Uncertain Significance. This sequence change replaces proline, which is neutral and non-polar, with leucine, which is neutral and non-polar, at codon 376 of the WT1 protein (p.Pro376Leu). This variant is present in population databases (no rsID available, gnomAD 0.007%). This variant has not been reported in the literature in individuals affected with WT1-related conditions. ClinVar contains an entry for this variant (Variation ID: 543138).

Fulgent Genetics
Classification: Uncertain significance for Aniridia 1; Frasier syndrome; Mesothelioma, malignant; Wilms tumor 1; 11p partial monosomy syndrome; Drash syndrome; Nephrotic syndrome, type 4; Meacham syndrome. Last evaluated: 2021-08-31. Review status: criteria provided, single submitter. Criteria: ACMG Guidelines, 2015. Collection method: clinical testing. Allele origin: unknown.